The following is an entry in ClinVar:

ClinVar aggregate classification (germline): Uncertain significance. Review status: criteria provided, multiple submitters, no conflicts (2 of 4 stars). 2 submissions from 2 submitters: Uncertain significance (2). Last evaluated 2022-05-04.

Conditions:
Spastic paraplegia. Identifiers: MedGen C0037772, HP:0001258.
Hereditary spastic paraplegia 15 (SPG15). Also called: SPASTIC PARAPLEGIA 15, AUTOSOMAL RECESSIVE; KJELLIN SYNDROME; SPASTIC PARAPLEGIA AND RETINAL DEGENERATION. Identifiers: Orphanet 100996, MedGen C1849128, MONDO:0010044, OMIM 270700.

Allele frequency attached by ClinVar (database versions not stated): gnomAD exomes 0.00004 and 0.00006; gnomAD 0.00006 and 0.00007; ExAC 0.00008; ESP Exome Variant Server 0.00008; TOPMed 0.00007.
gnomAD v4.1: 81 of 1,609,952 alleles (0.005%); highest among the groups gnomAD compares: Middle Eastern, 0.05%; 2 homozygotes.

Submissions (2):

Labcorp Genetics (formerly Invitae), Labcorp
Classification: Uncertain significance for Spastic paraplegia. Last evaluated: 2022-05-04. Review status: criteria provided, single submitter. Criteria: Invitae Variant Classification Sherloc (09022015). Collection method: clinical testing. Allele origin: germline.
Comment: This sequence change replaces proline, which is neutral and non-polar, with serine, which is neutral and polar, at codon 1325 of the ZFYVE26 protein (p.Pro1325Ser). This variant is present in population databases (rs150637611, gnomAD 0.02%). This variant has not been reported in the literature in individuals affected with ZFYVE26-related conditions. ClinVar contains an entry for this variant (Variation ID: 887193). Algorithms developed to predict the effect of missense changes on protein structure and function (SIFT, PolyPhen-2, Align-GVGD) all suggest that this variant is likely to be tolerated. In summary, the available evidence is currently insufficient to determine the role of this variant in disease. Therefore, it has been classified as a Variant of Uncertain Significance.

Illumina Laboratory Services, Illumina
Classification: Uncertain significance for Hereditary spastic paraplegia 15. Last evaluated: 2018-01-12. Review status: criteria provided, single submitter. Criteria: ICSL Variant Classification Criteria 13 December 2019. Collection method: clinical testing. Allele origin: germline.

NM_015346.4(ZFYVE26):c.3973C>T (p.Pro1325Ser)

Gene: ZFYVE26 (zinc finger FYVE-type containing 26; minus strand). Cytogenetic location: 14q24.1.
Variant type: single nucleotide variant.
Coding change: c.3973C>T on transcript NM_015346.4 (MANE Select); coding-DNA position 3973, C replaced by T.
Protein change: p.Pro1325Ser; replaces proline 1325 with serine.
Molecular consequence: missense variant.
Genome position (GRCh38, 1-based): chr14:67,783,179, G>A on the plus strand (C>T on the coding strand, the complement: ZFYVE26 is on the minus strand). VCF-style: chr14-67783179-G-A. GRCh37 (hg19) VCF-style: chr14-68249896-G-A.
Other names: short protein forms P1325S.
Identifiers: ClinVar variation 887193 (VCV000887193.5), dbSNP rs150637611, ClinGen allele CA7239868.